The following is an entry in ClinVar:

NM_001358921.2(COQ2):c.1A>G (p.Met1Val)

Genes: COQ2 (coenzyme Q2, polyprenyltransferase; minus strand), LOC112997540 (Sharpr-MPRA regulatory region 13773; plus strand). Cytogenetic location: 4q21.23.
Variant type: single nucleotide variant.
Coding change: c.1A>G on transcript NM_001358921.2 (MANE Select); coding-DNA position 1, A replaced by G.
Protein change: p.Met1Val; changes the start codon (methionine 1).
Molecular consequence: missense variant, initiator codon variant.
Genome position (GRCh38, 1-based): chr4:83,284,764, T>C on the plus strand (A>G on the coding strand, the complement: COQ2 is on the minus strand). VCF-style: chr4-83284764-T-C. GRCh37 (hg19) VCF-style: chr4-84205917-T-C.
Other names: c.151A>G, p.Met51Val (NM_015697.9); short protein forms M1V, M51V.
Identifiers: ClinVar variation 1203955 (VCV001203955.6), dbSNP rs763414153, ClinGen allele CA2988701.

ClinVar aggregate classification (germline): Uncertain significance (1 of 4 stars; one submission).

Submission:

GeneDx
Classification: Uncertain significance. Last evaluated: 2021-09-17. Review status: criteria provided, single submitter. Criteria: GeneDx Variant Classification Process June 2021. Collection method: clinical testing. Allele origin: germline. Affected: yes.
Comment: In silico analysis supports that this missense variant does not alter protein structure/function; This variant is associated with the following publications: (PMID: 33587123)